The following is an entry in ClinVar:

ClinVar aggregate classification (germline): Uncertain significance. Review status: criteria provided, multiple submitters, no conflicts (2 of 4 stars). 3 submissions from 3 submitters: Uncertain significance (3). Last evaluated 2025-12-24.

Conditions:
Hereditary cancer-predisposing syndrome. Also called: Hereditary Cancer Syndrome; Neoplastic Syndromes, Hereditary; Tumor predisposition; Hereditary neoplastic syndrome. Identifiers: Orphanet 140162, MedGen C0027672, MeSH D009386, MONDO:0015356.
Hereditary diffuse gastric adenocarcinoma (HDGC). Also called: DIFFUSE GASTRIC AND LOBULAR BREAST CANCER SYNDROME. Identifiers: Orphanet 26106, MedGen C1708349, MONDO:0007648, OMIM 137215.

Submissions (3):

Labcorp Genetics (formerly Invitae), Labcorp
Classification: Uncertain significance for Hereditary diffuse gastric adenocarcinoma. Last evaluated: 2025-12-24. Review status: criteria provided, single submitter. Criteria: Invitae Variant Classification Sherloc (09022015). Collection method: clinical testing. Allele origin: germline.
Comment: This sequence change replaces proline, which is neutral and non-polar, with leucine, which is neutral and non-polar, at codon 429 of the CDH1 protein (p.Pro429Leu). This variant is not present in population databases (gnomAD no frequency). This variant has not been reported in the literature in individuals affected with CDH1-related conditions. ClinVar contains an entry for this variant (Variation ID: 230777). An algorithm developed to predict the effect of missense changes on protein structure and function (PolyPhen-2) suggests that this variant is likely to be disruptive. In summary, the available evidence is currently insufficient to determine the role of this variant in disease. Therefore, it has been classified as a Variant of Uncertain Significance.

Ambry Genetics
Classification: Uncertain significance for Hereditary cancer-predisposing syndrome. Last evaluated: 2024-07-26. Review status: criteria provided, single submitter. Criteria: Ambry Variant Classification Scheme 2023. Collection method: clinical testing. Allele origin: germline.
Comment: The p.P429L variant (also known as c.1286C>T), located in coding exon 9 of the CDH1 gene, results from a C to T substitution at nucleotide position 1286. The proline at codon 429 is replaced by leucine, an amino acid with similar properties. This amino acid position is well conserved in available vertebrate species. In addition, the in silico prediction for this alteration is inconclusive. Since supporting evidence is limited at this time, the clinical significance of this alteration remains unclear.

Color Diagnostics, LLC DBA Color Health
Classification: Uncertain significance for Hereditary cancer-predisposing syndrome. Last evaluated: 2020-04-06. Review status: criteria provided, single submitter. Criteria: ACMG Guidelines, 2015. Collection method: clinical testing. Allele origin: germline.
Comment: This missense variant replaces proline with leucine at codon 429 of the CDH1 protein. Splice site prediction tools suggest that this variant may not impact RNA splicing. To our knowledge, functional studies have not been reported for this variant. This variant has not been reported in individuals affected with hereditary cancer in the literature. This variant has not been identified in the general population by the Genome Aggregation Database (gnomAD). The available evidence is insufficient to determine the role of this variant in disease conclusively. Therefore, this variant is classified as a Variant of Uncertain Significance.

NM_004360.5(CDH1):c.1286C>T (p.Pro429Leu)

Gene: CDH1 (cadherin 1; plus strand). Cytogenetic location: 16q22.1.
Variant type: single nucleotide variant.
Coding change: c.1286C>T on transcript NM_004360.5 (MANE Select); coding-DNA position 1286, C replaced by T.
Protein change: p.Pro429Leu; replaces proline 429 with leucine.
Molecular consequence: missense variant. On other transcripts: 5 prime UTR variant (2), intron variant (1).
Genome position (GRCh38, 1-based): chr16:68,813,461, C>T. VCF-style: chr16-68813461-C-T. GRCh37 (hg19) VCF-style: chr16-68847364-C-T.
Other names: c.1286C>T (LRG_301t1); c.-330C>T (NM_001317185.2); c.-534C>T (NM_001317186.2); c.1137+1198C>T (NM_001317184.2); short protein forms P429L.
Identifiers: ClinVar variation 230777 (VCV000230777.17), dbSNP rs876658766, ClinGen allele CA10580109.